The following is an entry in ClinVar:

NM_015178.3(RHOBTB2):c.1127C>T (p.Thr376Ile)

Gene: RHOBTB2 (Rho related BTB domain containing 2; plus strand). Cytogenetic location: 8p21.3.
Variant type: single nucleotide variant.
Coding change: c.1127C>T on transcript NM_015178.3 (MANE Select); coding-DNA position 1127, C replaced by T.
Protein change: p.Thr376Ile; replaces threonine 376 with isoleucine.
Molecular consequence: missense variant.
Genome position (GRCh38, 1-based): chr8:23,007,372, C>T. VCF-style: chr8-23007372-C-T. GRCh37 (hg19) VCF-style: chr8-22864885-C-T.
Other names: c.1193C>T, p.Thr398Ile (NM_001160036.2); c.1148C>T, p.Thr383Ile (NM_001160037.2); c.1127C>T, p.Thr376Ile (NM_001374791.1); c.1193C>T (NM_001160036.1); short protein forms T376I, T383I, T398I.
Identifiers: ClinVar variation 1299108 (VCV001299108.41), dbSNP rs200370658, ClinGen allele CA4672613.

ClinVar aggregate classification (germline): Benign/Likely benign. Review status: criteria provided, multiple submitters, no conflicts (2 of 4 stars). 3 submissions from 3 submitters: Benign (1); Likely benign (2). Last evaluated 2026-01-12.

Conditions:
Inborn genetic diseases. Identifiers: MedGen C0950123, MeSH D030342.

Allele frequency attached by ClinVar (database versions not stated): ExAC 0.00002; gnomAD exomes 0.00003 and 0.00008; TOPMed 0.00004; gnomAD 0.00005 and 0.00006; ESP Exome Variant Server 0.00008.
gnomAD v4.1: 123 of 1,613,890 alleles (0.0076%); highest among the groups gnomAD compares: Non-Finnish European, 0.0095%; no homozygotes.

Submissions (3):

Labcorp Genetics (formerly Invitae), Labcorp
Classification: Benign. Last evaluated: 2026-01-12. Review status: criteria provided, single submitter. Criteria: Invitae Variant Classification Sherloc (09022015). Collection method: clinical testing. Allele origin: germline.

Ambry Genetics
Classification: Likely benign for Inborn genetic diseases. Last evaluated: 2025-08-06. Review status: criteria provided, single submitter. Criteria: Ambry Variant Classification Scheme 2023. Collection method: clinical testing. Allele origin: germline.

CeGaT Center for Human Genetics Tuebingen
Classification: Likely benign. Last evaluated: 2025-01-01. Review status: criteria provided, single submitter. Criteria: CeGaT Center For Human Genetics Tuebingen Variant Classification Criteria Version 2. Collection method: clinical testing. Allele origin: germline. Affected: yes. Observed: 2 variant alleles.
Comment: RHOBTB2: BS1